The following is an entry in ClinVar:

ClinVar aggregate classification (germline): Uncertain significance. Review status: criteria provided, multiple submitters, no conflicts (2 of 4 stars). 4 submissions from 4 submitters: Uncertain significance (4). Last evaluated 2025-11-26.

Conditions:
IMPG2-related disorder. Also called: IMPG2-related condition.
Inborn genetic diseases. Identifiers: MedGen C0950123, MeSH D030342.

Allele frequency attached by ClinVar (database versions not stated): gnomAD exomes below 0.00001; gnomAD 0.00001; TOPMed 0.00001.
gnomAD v4.1: 6 of 1,611,410 alleles (0.00037%); highest among the groups gnomAD compares: Non-Finnish European, 0.00051%; no homozygotes.

Submissions (4):

Ambry Genetics
Classification: Uncertain significance for Inborn genetic diseases. Last evaluated: 2025-11-26. Review status: criteria provided, single submitter. Criteria: Ambry Variant Classification Scheme 2023. Collection method: clinical testing. Allele origin: germline.

PreventionGenetics, part of Exact Sciences
Classification: Uncertain significance for IMPG2-related condition. Last evaluated: 2025-02-06. Review status: criteria provided, single submitter. Criteria: ACMG Guidelines, 2015. Collection method: clinical testing. Allele origin: germline.
Comment: The IMPG2 c.3007C>G variant is predicted to result in the amino acid substitution p.Leu1003Val. To our knowledge, this variant has not been reported in the literature or in a large population database (gnomAD), indicating this variant is rare. At this time, the clinical significance of this variant is uncertain due to the absence of conclusive functional and genetic evidence.

Blueprint Genetics
Classification: Uncertain significance. Last evaluated: 2021-12-08. Review status: criteria provided, single submitter. Criteria: ACMG Guidelines, 2015. Collection method: clinical testing. Allele origin: germline.

Labcorp Genetics (formerly Invitae), Labcorp
Classification: Uncertain significance. Last evaluated: 2020-03-03. Review status: criteria provided, single submitter. Criteria: Invitae Variant Classification Sherloc (09022015). Collection method: clinical testing. Allele origin: germline.
Comment: This variant is not present in population databases (ExAC no frequency). This sequence change replaces leucine with valine at codon 1003 of the IMPG2 protein (p.Leu1003Val). The leucine residue is highly conserved and there is a small physicochemical difference between leucine and valine. This variant has not been reported in the literature in individuals with IMPG2-related conditions. In summary, the available evidence is currently insufficient to determine the role of this variant in disease. Therefore, it has been classified as a Variant of Uncertain Significance. Algorithms developed to predict the effect of missense changes on protein structure and function (SIFT, PolyPhen-2, Align-GVGD) all suggest that this variant is likely to be disruptive, but these predictions have not been confirmed by published functional studies and their clinical significance is uncertain.

NM_016247.4(IMPG2):c.3007C>G (p.Leu1003Val)

Gene: IMPG2 (interphotoreceptor matrix proteoglycan 2; minus strand). Cytogenetic location: 3q12.3.
Variant type: single nucleotide variant.
Coding change: c.3007C>G on transcript NM_016247.4 (MANE Select); coding-DNA position 3007, C replaced by G.
Protein change: p.Leu1003Val; replaces leucine 1003 with valine.
Molecular consequence: missense variant.
Genome position (GRCh38, 1-based): chr3:101,242,703, G>C on the plus strand (C>G on the coding strand, the complement: IMPG2 is on the minus strand). VCF-style: chr3-101242703-G-C. GRCh37 (hg19) VCF-style: chr3-100961547-G-C.
Other names: c.3007C>G (NM_016247.3); short protein forms L1003V.
Identifiers: ClinVar variation 1058056 (VCV001058056.12), dbSNP rs1287275265, ClinGen allele CA353852920.